The following is an entry in ClinVar:

ClinVar aggregate classification (germline): Pathogenic (1 of 4 stars; one submission).

Conditions:
Familial thoracic aortic aneurysm and aortic dissection (TAAD). Also called: Thoracic aortic aneurysms and dissections. Identifiers: Orphanet 91387, MedGen C4707243, MONDO:0019625.
Marfan syndrome (MFS). Also called: FBN1-Related Marfan Syndrome; Marfan syndrome type 1; Marfan's syndrome; Marfan syndrome, classic; MARFAN SYNDROME, TYPE I. Identifiers: Orphanet 284963, Orphanet 558, MedGen C0024796, MONDO:0007947, OMIM 154700.

Submission:

Labcorp Genetics (formerly Invitae), Labcorp
Classification: Pathogenic for Marfan syndrome; Familial thoracic aortic aneurysm and aortic dissection. Last evaluated: 2018-02-27. Review status: criteria provided, single submitter. Criteria: Invitae Variant Classification Sherloc (09022015). Collection method: clinical testing. Allele origin: germline.
Comment: This variant is a gross deletion of the genomic region encompassing exons 65-66 of the FBN1 gene. The 5' boundary is likely confined to intron 64. The 3' end of this event is unknown as it extends through the termination codon beyond the assayed region for this gene and may encompass additional genes. While this deletion is not anticipated to result in nonsense mediated decay, it is expected to create a truncated protein product or disrupt mRNA translation. This variant has not been reported in the literature in individuals with FBN1-related disease. Several different truncating variants (p.Leu2854Profs*9, p.Gln2830*, p.Arg2776*) within exons 65 and 66, which are deleted by this variant, have been determined to be pathogenic (PMID: 19293843, 7911051, 9338581, 11826022). This suggests that deletion of this region of the FBN1 protein is causative of disease. Loss-of-function variants in FBN1 are known to be pathogenic (PMID: 17657824, 19293843). For these reasons, this variant has been classified as Pathogenic.

Literature cited by the submitters: PubMed 19293843; PubMed 7911051; PubMed 9338581; PubMed 11826022; PubMed 17657824.

NC_000015.10:g.(?_48410970)_(48412763_?)del

Gene: FBN1 (fibrillin 1; minus strand). Cytogenetic location: 15q21.1.
Variant type: Deletion.
Identifiers: ClinVar variation 584073 (VCV000584073.7).